The following is an entry in ClinVar:

ClinVar aggregate classification (germline): Uncertain significance. Review status: criteria provided, multiple submitters, no conflicts (2 of 4 stars). 2 submissions from 2 submitters: Uncertain significance (2). Last evaluated 2025-02-18.

Submissions (2):

GeneDx
Classification: Uncertain significance. Last evaluated: 2025-02-18. Review status: criteria provided, single submitter. Criteria: GeneDx Variant Classification Process June 2021. Collection method: clinical testing. Allele origin: germline.
Comment: Not observed at significant frequency in large population cohorts (gnomAD); In silico analysis supports that this missense variant has a deleterious effect on protein structure/function; Has not been previously published as pathogenic or benign to our knowledge; This variant is associated with the following publications: (PMID: 28545555)

Labcorp Genetics (formerly Invitae), Labcorp
Classification: Uncertain significance. Last evaluated: 2021-05-08. Review status: criteria provided, single submitter. Criteria: Invitae Variant Classification Sherloc (09022015). Collection method: clinical testing. Allele origin: germline.
Comment: In summary, the available evidence is currently insufficient to determine the role of this variant in disease. Therefore, it has been classified as a Variant of Uncertain Significance. Algorithms developed to predict the effect of missense changes on protein structure and function are either unavailable or do not agree on the potential impact of this missense change (SIFT: "Deleterious"; PolyPhen-2: "Probably Damaging"; Align-GVGD: "Class C0"). This variant has not been reported in the literature in individuals with SAMD9-related conditions. This variant is not present in population databases (ExAC no frequency). This sequence change replaces phenylalanine with leucine at codon 197 of the SAMD9 protein (p.Phe197Leu). The phenylalanine residue is highly conserved and there is a small physicochemical difference between phenylalanine and leucine.

NM_017654.4(SAMD9):c.591C>A (p.Phe197Leu)

Gene: SAMD9 (sterile alpha motif domain containing 9; minus strand). Cytogenetic location: 7q21.2.
Variant type: single nucleotide variant.
Coding change: c.591C>A on transcript NM_017654.4 (MANE Select); coding-DNA position 591, C replaced by A.
Protein change: p.Phe197Leu; replaces phenylalanine 197 with leucine.
Molecular consequence: missense variant.
Genome position (GRCh38, 1-based): chr7:93,105,507, G>T on the plus strand (C>A on the coding strand, the complement: SAMD9 is on the minus strand). VCF-style: chr7-93105507-G-T. GRCh37 (hg19) VCF-style: chr7-92734820-G-T.
Other names: c.591C>A, p.Phe197Leu (NM_001193307.2); c.591C>A (NM_017654.3); short protein forms F197L.
Identifiers: ClinVar variation 1436338 (VCV001436338.10), dbSNP rs2116422267, ClinGen allele CA368204564.